The following is an entry in ClinVar:

NM_000238.4(KCNH2):c.2889_2900dup (p.Gly969_Gly970insGluProProGly)

Gene: KCNH2 (potassium voltage-gated channel subfamily H member 2; minus strand). Cytogenetic location: 7q36.1.
Variant type: Duplication.
Coding change: c.2889_2900dup on transcript NM_000238.4 (MANE Select); coding-DNA positions 2889 to 2900, 12 bases duplicated (CCCCGGAGAGCC).
Protein change: p.Gly969_Gly970insGluProProGly.
Molecular consequence: inframe insertion. On other transcripts: non-coding transcript variant (2).
Genome position (GRCh38, 1-based): chr7:150,947,671-150,947,682, GGCTCTCCGGGG duplicated on the plus strand (CCCCGGAGAGCC on the coding strand, the reverse complement: KCNH2 is on the minus strand); duplicating any 12 consecutive bases within chr7:150,947,671-150,947,685 gives the same sequence; the c. name uses the placement nearest the transcript's 3' end. VCF-style (leftmost placement, unchanged base first): chr7-150947670-C-CGGCTCTCCGGGG. GRCh37 (hg19) VCF-style: chr7-150644758-C-CGGCTCTCCGGGG.
Other names: c.2601_2612dup, p.Gly873_Gly874insGluProProGly (NM_001406753.1); c.1869_1880dup, p.Gly629_Gly630insGluProProGly (NM_172057.3).
Identifiers: ClinVar variation 4710601 (VCV004710601.1).

ClinVar aggregate classification (germline): Uncertain significance (1 of 4 stars; one submission).

Conditions:
Long QT syndrome (LQTS). Identifiers: MedGen C0023976, MeSH D008133, MONDO:0002442. Disease mechanism: loss of function. Inheritance: Various modes of inheritance.

Submission:

Labcorp Genetics (formerly Invitae), Labcorp
Classification: Uncertain significance for Long QT syndrome. Last evaluated: 2025-08-16. Review status: criteria provided, single submitter. Criteria: Invitae Variant Classification Sherloc (09022015). Collection method: clinical testing. Allele origin: germline.
Comment: This variant, c.2889_2900dup, results in the insertion of 4 amino acid(s) of the KCNH2 protein (p.Glu966_Gly969dup), but otherwise preserves the integrity of the reading frame. This variant is not present in population databases (gnomAD no frequency). This variant has not been reported in the literature in individuals affected with KCNH2-related conditions. In summary, the available evidence is currently insufficient to determine the role of this variant in disease. Therefore, it has been classified as a Variant of Uncertain Significance.